The following is an entry in ClinVar:

ClinVar aggregate classification (germline): Uncertain significance (1 of 4 stars; one submission).

gnomAD v4.1: 14 of 1,613,844 alleles (0.00087%); highest among the groups gnomAD compares: South Asian, 0.0022%; no homozygotes.

Submission:

Labcorp Genetics (formerly Invitae), Labcorp
Classification: Uncertain significance. Last evaluated: 2025-03-07. Review status: criteria provided, single submitter. Criteria: Invitae Variant Classification Sherloc (09022015). Collection method: clinical testing. Allele origin: germline.
Comment: This sequence change replaces arginine, which is basic and polar, with glutamine, which is neutral and polar, at codon 2685 of the COL7A1 protein (p.Arg2685Gln). This variant is present in population databases (no rsID available, gnomAD 0.0009%). This variant has not been reported in the literature in individuals affected with COL7A1-related conditions. ClinVar contains an entry for this variant (Variation ID: 2151004). Invitae Evidence Modeling of protein sequence and biophysical properties (such as structural, functional, and spatial information, amino acid conservation, physicochemical variation, residue mobility, and thermodynamic stability) has been performed for this missense variant. However, the output from this modeling did not meet the statistical confidence thresholds required to predict the impact of this variant on COL7A1 protein function. In summary, the available evidence is currently insufficient to determine the role of this variant in disease. Therefore, it has been classified as a Variant of Uncertain Significance.

NM_000094.4(COL7A1):c.8054G>A (p.Arg2685Gln)

Gene: COL7A1 (collagen type VII alpha 1 chain; minus strand). Cytogenetic location: 3p21.31.
Variant type: single nucleotide variant.
Coding change: c.8054G>A on transcript NM_000094.4 (MANE Select); coding-DNA position 8054, G replaced by A.
Protein change: p.Arg2685Gln; replaces arginine 2685 with glutamine.
Molecular consequence: missense variant.
Genome position (GRCh38, 1-based): chr3:48,567,183, C>T on the plus strand (G>A on the coding strand, the complement: COL7A1 is on the minus strand). VCF-style: chr3-48567183-C-T. GRCh37 (hg19) VCF-style: chr3-48604616-C-T.
Other names: short protein forms R2685Q.
Identifiers: ClinVar variation 2151004 (VCV002151004.2), dbSNP rs886058630, ClinGen allele CA352640754.
Genomic context (GRCh38, chr3:48,567,183, plus strand): 5'-CTCACCCGCTCCCCTTTCTCGCCCTGGTCACCCTTGGGGCCTGGCTGCCCGTCAAAGCCT[C>T]GGTCACCCTGGGAACAGAAGAAGCATGAGAGACCTTCTGCCCTGACCTCCCTCAGCTCTG-3'
Protein context (NP_000085.1, residues 2675-2695): KEGLIGPKGD[Arg2685Gln]GFDGQPGPKG